The following is an entry in ClinVar:

ClinVar aggregate classification (germline): Uncertain significance. Review status: criteria provided, single submitter (1 of 4 stars). 2 submissions from 2 submitters: Uncertain significance (1). 1 of the submissions does not count toward it. Last evaluated 2022-10-09.

Conditions:
Agenesis of the corpus callosum with peripheral neuropathy (ACCPN). Also called: Hereditary Motor and Sensory Neuropathy with Agenesis of the Corpus Callosum; CHARLEVOIX DISEASE; POLYNEUROPATHY, SENSORIMOTOR, WITH OR WITHOUT AGENESIS OF THE CORPUS CALLOSUM; HMSN/ACC. Identifiers: Orphanet 1496, MedGen C0795950, MONDO:0000902, OMIM 218000. Disease mechanism: loss of function.

Allele frequency attached by ClinVar (database versions not stated): gnomAD exomes below 0.00001.

Submissions (2):

Labcorp Genetics (formerly Invitae), Labcorp
Classification: Uncertain significance. Last evaluated: 2022-10-09. Review status: criteria provided, single submitter. Criteria: Invitae Variant Classification Sherloc (09022015). Collection method: clinical testing. Allele origin: germline.
Comment: This variant, c.1575_1577dup, results in the insertion of 1 amino acid(s) of the SLC12A6 protein (p.Thr527dup), but otherwise preserves the integrity of the reading frame. This variant is present in population databases (no rsID available, gnomAD 0.0009%). This variant has not been reported in the literature in individuals affected with SLC12A6-related conditions. ClinVar contains an entry for this variant (Variation ID: 555580). In summary, the available evidence is currently insufficient to determine the role of this variant in disease. Therefore, it has been classified as a Variant of Uncertain Significance.

Counsyl
Classification: Uncertain significance for Agenesis of the corpus callosum with peripheral neuropathy. Last evaluated: 2017-12-15. Review status: no assertion criteria provided. Collection method: clinical testing. Allele origin: unknown. Not counted in ClinVar's aggregate classification.

NM_001365088.1(SLC12A6):c.1575_1577dup (p.Thr527dup)

Gene: SLC12A6 (solute carrier family 12 member 6; minus strand). Cytogenetic location: 15q14.
Variant type: Duplication.
Coding change: c.1575_1577dup on transcript NM_001365088.1 (MANE Select); coding-DNA positions 1575 to 1577, 3 bases duplicated (GAC; older notation c.1575_1577dupGAC).
Protein change: p.Thr527dup; duplicates threonine 527.
Molecular consequence: inframe insertion.
Genome position (GRCh38, 1-based): chr15:34,250,645-34,250,647, GTC duplicated on the plus strand (GAC on the coding strand, the reverse complement: SLC12A6 is on the minus strand). VCF-style (leftmost placement, unchanged base first): chr15-34250644-G-GGTC. GRCh37 (hg19) VCF-style: chr15-34542845-G-GGTC.
Other names: c.1398_1400dup, p.Thr468dup (NM_001042494.2, NM_001042495.2); c.1548_1550dup, p.Thr518dup (NM_001042496.2); c.1530_1532dup, p.Thr512dup (NM_001042497.2); c.1422_1424dup, p.Thr476dup (NM_005135.2); c.1575_1577dup, p.Thr527dup (NM_133647.2); c.1575_1577dupGAC (NM_133647.1).
Identifiers: ClinVar variation 555580 (VCV000555580.4), dbSNP rs1342378279, ClinGen allele CA617554883.
Genomic context (GRCh38, chr15:34,250,644, plus strand): 5'-GGATGCTCCTATGACTAAGACTCAGACTGGATCCATAAAAAGGATACAAACAAAGGAGGT[G>GGTC]GTCAGGATGGCAAGGATAGTACCAATCGGAATAGACTTCTGAGCATCTTTCAGATCTCCA-3'